The following is an entry in ClinVar:

ClinVar aggregate classification (germline): Uncertain significance. Review status: criteria provided, multiple submitters, no conflicts (2 of 4 stars). 2 submissions from 2 submitters: Uncertain significance (2). Last evaluated 2024-02-06.

Allele frequency attached by ClinVar (database versions not stated): TOPMed below 0.00001.
gnomAD v4.1: 3 of 1,613,564 alleles (0.00019%); highest among the groups gnomAD compares: African/African-American, 0.0027%; no homozygotes.

Submissions (2):

Women's Health and Genetics/Laboratory Corporation of America, LabCorp
Classification: Uncertain significance. Last evaluated: 2024-02-06. Review status: criteria provided, single submitter. Criteria: LabCorp Variant Classification Summary - May 2015. Collection method: clinical testing. Allele origin: germline.
Comment: Variant summary: COL11A1 c.3578C>G (p.Pro1193Arg) results in a non-conservative amino acid change in the encoded protein sequence. Four of five in-silico tools predict a damaging effect of the variant on protein function. The variant was absent in 251346 control chromosomes. The available data on variant occurrences in the general population are insufficient to allow any conclusion about variant significance. To our knowledge, no occurrence of c.3578C>G in individuals affected with Stickler Syndrome and no experimental evidence demonstrating its impact on protein function have been reported. No submitters have cited clinical-significance assessments for this variant to ClinVar. Based on the evidence outlined above, the variant was classified as uncertain significance.

Labcorp Genetics (formerly Invitae), Labcorp
Classification: Uncertain significance. Last evaluated: 2023-08-02. Review status: criteria provided, single submitter. Criteria: Invitae Variant Classification Sherloc (09022015). Collection method: clinical testing. Allele origin: germline.
Comment: In summary, the available evidence is currently insufficient to determine the role of this variant in disease. Therefore, it has been classified as a Variant of Uncertain Significance. This sequence change replaces proline, which is neutral and non-polar, with arginine, which is basic and polar, at codon 1193 of the COL11A1 protein (p.Pro1193Arg). This variant is not present in population databases (gnomAD no frequency). This variant has not been reported in the literature in individuals affected with COL11A1-related conditions. Advanced modeling of protein sequence and biophysical properties (such as structural, functional, and spatial information, amino acid conservation, physicochemical variation, residue mobility, and thermodynamic stability) performed at Invitae indicates that this missense variant is not expected to disrupt COL11A1 protein function.

NM_001854.4(COL11A1):c.3578C>G (p.Pro1193Arg)

Gene: COL11A1 (collagen type XI alpha 1 chain; minus strand). Cytogenetic location: 1p21.1.
Variant type: single nucleotide variant.
Coding change: c.3578C>G on transcript NM_001854.4 (MANE Select); coding-DNA position 3578, C replaced by G.
Protein change: p.Pro1193Arg; replaces proline 1193 with arginine.
Molecular consequence: missense variant. On other transcripts: non-coding transcript variant (1).
Genome position (GRCh38, 1-based): chr1:102,934,471, G>C on the plus strand (C>G on the coding strand, the complement: COL11A1 is on the minus strand). VCF-style: chr1-102934471-G-C. GRCh37 (hg19) VCF-style: chr1-103400027-G-C.
Other names: c.3614C>G, p.Pro1205Arg (NM_080629.3); c.3230C>G, p.Pro1077Arg (NM_080630.4, NM_001168249.1); c.3461C>G, p.Pro1154Arg (NM_001190709.2); short protein forms P1077R, P1154R, P1193R, P1205R.
Identifiers: ClinVar variation 2794669 (VCV002794669.5), dbSNP rs752478007, ClinGen allele CA341167358.
Genomic context (GRCh38, chr1:102,934,471, plus strand): 5'-TAGAAATGATGGAGTAAACAATGACAGGATCATCTTACCTGAAGACCTATTGGACCAGGA[G>C]GTCCAGGGAAGCCTCTGGCACCCTCATCACCTTTTTGCCCAAACATCCCCTGCTGTCCTC-3'
Protein context (NP_001845.3, residues 1183-1203): GDEGARGFPG[Pro1193Arg]PGPIGLQGLP